The following is an entry in ClinVar:

ClinVar aggregate classification (germline): Uncertain significance (1 of 4 stars; one submission).

Conditions:
Birt-Hogg-Dube syndrome. Also called: Birt Hogg Dubé syndrome. Identifiers: Orphanet 122, MedGen C0346010, MONDO:0800444.

Submission:

Labcorp Genetics (formerly Invitae), Labcorp
Classification: Uncertain significance for Birt-Hogg-Dube syndrome. Last evaluated: 2021-12-30. Review status: criteria provided, single submitter. Criteria: Invitae Variant Classification Sherloc (09022015). Collection method: clinical testing. Allele origin: germline.
Comment: In summary, the available evidence is currently insufficient to determine the role of this variant in disease. Therefore, it has been classified as a Variant of Uncertain Significance. Algorithms developed to predict the effect of missense changes on protein structure and function are either unavailable or do not agree on the potential impact of this missense change (SIFT: "Deleterious"; PolyPhen-2: "Possibly Damaging"; Align-GVGD: "Class C0"). This variant has not been reported in the literature in individuals affected with FLCN-related conditions. This variant is not present in population databases (gnomAD no frequency). This sequence change replaces isoleucine, which is neutral and non-polar, with methionine, which is neutral and non-polar, at codon 158 of the FLCN protein (p.Ile158Met).

NM_144997.7(FLCN):c.474C>G (p.Ile158Met)

Gene: FLCN (folliculin; minus strand). Cytogenetic location: 17p11.2.
Variant type: single nucleotide variant.
Coding change: c.474C>G on transcript NM_144997.7 (MANE Select); coding-DNA position 474, C replaced by G.
Protein change: p.Ile158Met; replaces isoleucine 158 with methionine.
Molecular consequence: missense variant.
Genome position (GRCh38, 1-based): chr17:17,224,066, G>C on the plus strand (C>G on the coding strand, the complement: FLCN is on the minus strand). VCF-style: chr17-17224066-G-C. GRCh37 (hg19) VCF-style: chr17-17127380-G-C.
Other names: c.528C>G, p.Ile176Met (NM_001353229.2); c.474C>G, p.Ile158Met (NM_001353230.2, NM_001353231.2, NM_144606.7); short protein forms I158M, I176M.
Identifiers: ClinVar variation 2066130 (VCV002066130.4), dbSNP rs1597607110, ClinGen allele CA398534478.